The following is an entry in ClinVar:

ClinVar aggregate classification (germline): Benign. Review status: criteria provided, multiple submitters, no conflicts (2 of 4 stars). 2 submissions from 2 submitters: Benign (2). Last evaluated 2026-06-30.

Conditions:
CEP19-related disorder. Also called: CEP19-related condition.

Allele frequency attached by ClinVar (database versions not stated): TOPMed 0.00033; gnomAD 0.00046 and 0.00012; gnomAD exomes 0.00084 and 0.00175; ExAC 0.00210; 1000 Genomes Project 30x 0.00234; 1000 Genomes Project 0.00260.
gnomAD v4.1: 1,311 of 1,614,180 alleles (0.081%); highest among the groups gnomAD compares: South Asian, 1.1%; 22 homozygotes.

Submissions (2):

PreventionGenetics, part of Exact Sciences
Classification: Benign for CEP19-related condition. Last evaluated: 2026-06-30. Review status: criteria provided, single submitter. Criteria: ACMG Guidelines, 2015. Collection method: clinical testing. Allele origin: germline.
Comment: This variant is classified as benign based on ACMG/AMP sequence variant interpretation guidelines (Richards et al. 2015 PMID: 25741868, with internal and published modifications).

Labcorp Genetics (formerly Invitae), Labcorp
Classification: Benign. Last evaluated: 2026-01-26. Review status: criteria provided, single submitter. Criteria: Invitae Variant Classification Sherloc (09022015). Collection method: clinical testing. Allele origin: germline.

NM_032898.5(CEP19):c.219A>G (p.Leu73=)

Gene: CEP19 (centrosomal protein 19; minus strand). Cytogenetic location: 3q29.
Variant type: single nucleotide variant.
Coding change: c.219A>G on transcript NM_032898.5 (MANE Select); coding-DNA position 219, A replaced by G.
Protein change: p.Leu73=; no amino-acid change (leucine 73 retained).
Molecular consequence: synonymous variant.
Genome position (GRCh38, 1-based): chr3:196,707,824, T>C on the plus strand (A>G on the coding strand, the complement: CEP19 is on the minus strand). VCF-style: chr3-196707824-T-C. GRCh37 (hg19) VCF-style: chr3-196434695-T-C.
Identifiers: ClinVar variation 761410 (VCV000761410.11), dbSNP rs142077651, ClinGen allele CA2782123.